The following is an entry in ClinVar:

NM_002900.3(RBP3):c.2742C>T (p.Pro914=)

Gene: RBP3 (retinol binding protein 3; plus strand). Cytogenetic location: 10q11.22.
Variant type: single nucleotide variant.
Coding change: c.2742C>T on transcript NM_002900.3 (MANE Select); coding-DNA position 2742, C replaced by T.
Protein change: p.Pro914=; no amino-acid change (proline 914 retained).
Molecular consequence: synonymous variant.
Genome position (GRCh38, 1-based): chr10:47,351,226, C>T. VCF-style: chr10-47351226-C-T. GRCh37 (hg19) VCF-style: chr10-48388136-G-A.
Other names: c.2742C>T (NM_002900.2).
Identifiers: ClinVar variation 1642036 (VCV001642036.11), dbSNP rs569610548, ClinGen allele CA5487210.

ClinVar aggregate classification (germline): Likely benign. Review status: criteria provided, multiple submitters, no conflicts (2 of 4 stars). 3 submissions from 3 submitters: Likely benign (2). 1 of the submissions does not count toward it. Last evaluated 2026-01-18.

Conditions:
RBP3-related disorder. Also called: RBP3-related condition.

Allele frequency attached by ClinVar (database versions not stated): ExAC 0.00002; gnomAD exomes 0.00002; TOPMed 0.00002; gnomAD 0.00003 and 0.00005.
gnomAD v4.1: 43 of 1,613,278 alleles (0.0027%); highest among the groups gnomAD compares: Middle Eastern, 0.099%; no homozygotes.

Submissions (3):

Labcorp Genetics (formerly Invitae), Labcorp
Classification: Likely benign. Last evaluated: 2026-01-18. Review status: criteria provided, single submitter. Criteria: Invitae Variant Classification Sherloc (09022015). Collection method: clinical testing. Allele origin: germline.

Blueprint Genetics
Classification: Likely benign. Last evaluated: 2024-09-04. Review status: criteria provided, single submitter. Criteria: ACMG Guidelines, 2015. Collection method: clinical testing. Allele origin: germline.

PreventionGenetics, part of Exact Sciences
Classification: Likely benign for RBP3-related condition. Last evaluated: 2021-01-22. Review status: no assertion criteria provided. Collection method: clinical testing. Allele origin: germline. Not counted in ClinVar's aggregate classification.
Comment: This variant is classified as likely benign based on ACMG/AMP sequence variant interpretation guidelines (Richards et al. 2015 PMID: 25741868, with internal and published modifications).